The following is an entry in ClinVar:

NM_000059.4(BRCA2):c.4707_4710dup (p.Glu1571fs)

Gene: BRCA2 (BRCA2 DNA repair associated; plus strand). Cytogenetic location: 13q13.1.
Variant type: Duplication.
Coding change: c.4707_4710dup on transcript NM_000059.4 (MANE Select); coding-DNA positions 4707 to 4710, 4 bases duplicated (CAGA; older notation c.4707_4710dupCAGA).
Protein change: p.Glu1571fs; shifts the reading frame from glutamic acid 1571.
Molecular consequence: frameshift variant. On other transcripts: non-coding transcript variant (1), intron variant (2).
Genome position (GRCh38, 1-based): chr13:32,339,062-32,339,065, CAGA duplicated; duplicating any 4 consecutive bases within chr13:32,339,061-32,339,065 gives the same sequence; the c. name uses the placement nearest the transcript's 3' end. VCF-style (leftmost placement, unchanged base first): chr13-32339060-T-TACAG. GRCh37 (hg19) VCF-style: chr13-32913197-T-TACAG.
Other names: c.4707_4710dup, p.Glu1571fs (NM_001406719.1, NM_001406720.1, NM_001432077.1); c.1910-5496_1910-5493dup (NM_001406721.1); c.425-5496_425-5493dup (NM_001406722.1); c.4707_4710dupCAGA (NM_000059.3); short protein forms E1571fs.
Identifiers: ClinVar variation 4628752 (VCV004628752.1).

ClinVar aggregate classification (germline): Pathogenic (1 of 4 stars; one submission).

Conditions:
Hereditary cancer-predisposing syndrome. Also called: Neoplastic Syndromes, Hereditary; Tumor predisposition; Hereditary Cancer Syndrome; Hereditary neoplastic syndrome. Identifiers: Orphanet 140162, MedGen C0027672, MeSH D009386, MONDO:0015356.

Submission:

Ambry Genetics
Classification: Pathogenic for Hereditary cancer-predisposing syndrome. Last evaluated: 2025-10-06. Review status: criteria provided, single submitter. Criteria: Ambry Variant Classification Scheme 2023. Collection method: clinical testing. Allele origin: germline.
Comment: The c.4707_4710dupCAGA pathogenic mutation, located in coding exon 10 of the BRCA2 gene, results from a duplication of CAGA at nucleotide position 4707, causing a translational frameshift with a predicted alternate stop codon (p.E1571Qfs*5). This variant is considered to be rare based on population cohorts in the Genome Aggregation Database (gnomAD). This alteration is expected to result in loss of function by premature protein truncation or nonsense-mediated mRNA decay. As such, this alteration is interpreted as a disease-causing mutation.